The following is an entry in ClinVar:

ClinVar aggregate classification (germline): Uncertain significance. Review status: criteria provided, multiple submitters, no conflicts (2 of 4 stars). 2 submissions from 2 submitters: Uncertain significance (2). Last evaluated 2023-12-16.

Conditions:
Congenital myasthenic syndrome 4A. Also called: CONGENITAL MYASTHENIC SYNDROME TYPE Ia1; MYASTHENIC SYNDROME, CONGENITAL, 4A, SLOW-CHANNEL, AUTOSOMAL RECESSIVE; Myasthenic syndrome, congenital, 4a, slow-channel. Identifiers: Orphanet 590, MedGen C4225413, MONDO:0011600, OMIM 605809.

Submissions (2):

Labcorp Genetics (formerly Invitae), Labcorp
Classification: Uncertain significance for Congenital myasthenic syndrome 4A. Last evaluated: 2023-12-16. Review status: criteria provided, single submitter. Criteria: Invitae Variant Classification Sherloc (09022015). Collection method: clinical testing. Allele origin: germline.
Comment: This variant, c.994_1023dup, results in the insertion of 10 amino acid(s) of the CHRNE protein (p.Thr332_Arg341dup), but otherwise preserves the integrity of the reading frame. This variant is present in population databases (no rsID available, gnomAD 0.007%). This variant has not been reported in the literature in individuals affected with CHRNE-related conditions. ClinVar contains an entry for this variant (Variation ID: 2440056). Experimental studies and prediction algorithms are not available or were not evaluated, and the functional significance of this variant is currently unknown. In summary, the available evidence is currently insufficient to determine the role of this variant in disease. Therefore, it has been classified as a Variant of Uncertain Significance.

Revvity Omics, Revvity
Classification: Uncertain significance. Last evaluated: 2019-10-14. Review status: criteria provided, single submitter. Criteria: ACMG Guidelines, 2015. Collection method: clinical testing. Allele origin: germline.

NM_000080.4(CHRNE):c.994_1023dup (p.Arg341_Leu342insThrProThrThrHisAlaMetSerProArg)

Gene: CHRNE (cholinergic receptor nicotinic epsilon subunit; minus strand). Cytogenetic location: 17p13.2.
Variant type: Duplication.
Coding change: c.994_1023dup on transcript NM_000080.4 (MANE Select); coding-DNA positions 994 to 1023, 30 bases duplicated (ACGCCCACCACCCACGCCATGTCCCCGCGG).
Protein change: p.Arg341_Leu342insThrProThrThrHisAlaMetSerProArg.
Molecular consequence: inframe insertion.
Genome position (GRCh38, 1-based): chr17:4,899,477-4,899,506, CCGCGGGGACATGGCGTGGGTGGTGGGCGT duplicated on the plus strand (ACGCCCACCACCCACGCCATGTCCCCGCGG on the coding strand, the reverse complement: CHRNE is on the minus strand); duplicating any 30 consecutive bases within chr17:4,899,477-4,899,510 gives the same sequence; the c. name uses the placement nearest the transcript's 3' end. VCF-style (leftmost placement, unchanged base first): chr17-4899476-G-GCCGCGGGGACATGGCGTGGGTGGTGGGCGT. GRCh37 (hg19) VCF-style: chr17-4802771-G-GCCGCGGGGACATGGCGTGGGTGGTGGGCGT.
Identifiers: ClinVar variation 2440056 (VCV002440056.5), dbSNP rs1356556214, ClinGen allele CA624855921.